The following is an entry in ClinVar:

ClinVar aggregate classification (germline): Likely pathogenic (1 of 4 stars; one submission).

Conditions:
Walker-Warburg congenital muscular dystrophy. Also called: Muscular dystrophy-dystroglycanopathy, type A; Walker-Warburg syndrome. Identifiers: Orphanet 899, MedGen C0265221, MONDO:0000171.
Autosomal recessive limb-girdle muscular dystrophy type 2K. Also called: MUSCULAR DYSTROPHY-DYSTROGLYCANOPATHY (LIMB-GIRDLE), TYPE C, 1; MUSCULAR DYSTROPHY, LIMB-GIRDLE, TYPE 2K. Identifiers: Orphanet 86812, MedGen C1836373, MONDO:0012248, OMIM 609308.
Muscular dystrophy-dystroglycanopathy (congenital with impaired intellectual development), type B, 1. Also called: Muscular dystrophy-dystroglycanopathy (congenital with intellectual disability), type B1; MUSCULAR DYSTROPHY, CONGENITAL, POMT1-RELATED. Identifiers: MedGen C5436962, MONDO:0013159, OMIM 613155.

Submission:

Labcorp Genetics (formerly Invitae), Labcorp
Classification: Likely pathogenic for Muscular dystrophy-dystroglycanopathy (congenital with impaired intellectual development), type B, 1; Walker-Warburg congenital muscular dystrophy; Autosomal recessive limb-girdle muscular dystrophy type 2K. Last evaluated: 2021-07-08. Review status: criteria provided, single submitter. Criteria: Invitae Variant Classification Sherloc (09022015). Collection method: clinical testing. Allele origin: germline.
Comment: In summary, the currently available evidence indicates that the variant is pathogenic, but additional data are needed to prove that conclusively. Therefore, this variant has been classified as Likely Pathogenic. Algorithms developed to predict the effect of sequence changes on RNA splicing suggest that this variant may disrupt the consensus splice site, but this prediction has not been confirmed by published transcriptional studies. This variant has not been reported in the literature in individuals with POMT1-related conditions. This variant is not present in population databases (ExAC no frequency). This sequence change affects an acceptor splice site in intron 16 of the POMT1 gene. It is expected to disrupt RNA splicing. Variants that disrupt the donor or acceptor splice site typically lead to a loss of protein function (PMID: 16199547), and loss-of-function variants in POMT1 are known to be pathogenic (PMID: 12369018, 15637732, 16575835).

Literature cited by the submitters: PubMed 16199547; PubMed 12369018; PubMed 15637732; PubMed 16575835.

NM_001077365.2(POMT1):c.1585-2A>G

Gene: POMT1 (protein O-mannosyltransferase 1; plus strand). Cytogenetic location: 9q34.13.
Variant type: single nucleotide variant.
Coding change: c.1585-2A>G on transcript NM_001077365.2 (MANE Select); the canonical splice acceptor site of the intron before coding-DNA position 1585, A replaced by G.
Molecular consequence: splice acceptor variant.
Genome position (GRCh38, 1-based): chr9:131,520,078, A>G. VCF-style: chr9-131520078-A-G. GRCh37 (hg19) VCF-style: chr9-134395465-A-G.
Other names: c.1489-2A>G (NM_001353198.2, NM_001353197.2); c.1651-2A>G (NM_001353193.2, NM_007171.4); c.1585-2A>G (NM_001136113.2); c.1423-2A>G (NM_001353194.2, NM_001077366.2); c.1234-2A>G (NM_001374691.1, NM_001353195.2, NM_001374692.1 and 2 more transcripts); c.1366-2A>G (NM_001374690.1); c.1495-2A>G (NM_001353196.2); c.1195-2A>G (NM_001374695.1); and 4 more.
Identifiers: ClinVar variation 1522854 (VCV001522854.8), dbSNP rs2131880195, ClinGen allele CA375312995.